The following is an entry in ClinVar:

ClinVar aggregate classification (germline): Uncertain significance (1 of 4 stars; one submission).

Conditions:
Familial cold autoinflammatory syndrome 2 (FCAS2). Identifiers: Orphanet 247868, MedGen C2673198, MONDO:0012724, OMIM 611762.

Submission:

Labcorp Genetics (formerly Invitae), Labcorp
Classification: Uncertain significance for Familial cold autoinflammatory syndrome 2. Last evaluated: 2024-06-12. Review status: criteria provided, single submitter. Criteria: Invitae Variant Classification Sherloc (09022015). Collection method: clinical testing. Allele origin: germline.
Comment: This variant, c.2468_2470delinsCTT, is a complex sequence change that results in the deletion of two and insertion of two amino acid(s) in the NLRP12 protein (p.Leu823_Gly824delinsProCys). Information on the frequency of this variant in the gnomAD database is not available, as this variant may be reported differently in the database. This variant has not been reported in the literature in individuals affected with NLRP12-related conditions. ClinVar contains an entry for this variant (Variation ID: 973009). Experimental studies and prediction algorithms are not available or were not evaluated, and the functional significance of this variant is currently unknown. In summary, the available evidence is currently insufficient to determine the role of this variant in disease. Therefore, it has been classified as a Variant of Uncertain Significance.

NM_144687.4(NLRP12):c.2468_2470delinsCTT (p.Leu823_Gly824delinsProCys)

Gene: NLRP12 (NLR family pyrin domain containing 12; minus strand). Cytogenetic location: 19q13.42.
Variant type: Indel.
Coding change: c.2468_2470delinsCTT on transcript NM_144687.4 (MANE Select); coding-DNA positions 2468 to 2470, TCG replaced by CTT.
Protein change: p.Leu823_Gly824delinsProCys.
Molecular consequence: missense variant.
Genome position (GRCh38, 1-based): chr19:53,804,067-53,804,069, CGA replaced by AAG on the plus strand (TCG replaced by CTT on the coding strand, the reverse complement: NLRP12 is on the minus strand). VCF-style: chr19-53804067-CGA-AAG. GRCh37 (hg19) VCF-style: chr19-54307321-CGA-AAG.
Other names: c.2471_2473delinsCTT, p.Leu824_Gly825delinsProCys (NM_001277126.2); c.2468_2470delinsCTT, p.Leu823_Gly824delinsProCys (NM_001277129.1).
Identifiers: ClinVar variation 973009 (VCV000973009.10), dbSNP rs2091916523, ClinGen allele CA1139666589.